The following is an entry in ClinVar:

NM_017841.4(SDHAF2):c.-1A>G

Gene: SDHAF2 (succinate dehydrogenase complex assembly factor 2; plus strand). Cytogenetic location: 11q12.2.
Variant type: single nucleotide variant.
Coding change: c.-1A>G on transcript NM_017841.4 (MANE Select); 1 bases upstream of the start codon, A replaced by G.
Molecular consequence: 5 prime UTR variant.
Genome position (GRCh38, 1-based): chr11:61,430,146, A>G. VCF-style: chr11-61430146-A-G. GRCh37 (hg19) VCF-style: chr11-61197618-A-G.
Identifiers: ClinVar variation 4844165 (VCV004844165.1).
Genomic context (GRCh38, chr11:61,430,146, plus strand): 5'-CCGGGCGGCTAGGAGTTCCCGGAAGTGCCCGCGCAGCCGGTTTCCGGTGCAGGTGGGGAA[A>G]ATGGCGGTGTCTACAGTGTTCTCGACTTCGTCGCTGGTGAGGAGAGAGAACGTTCTAGCG-3'

ClinVar aggregate classification (germline): Uncertain significance (1 of 4 stars; one submission).

Conditions:
Hereditary cancer-predisposing syndrome. Also called: Neoplastic Syndromes, Hereditary; Tumor predisposition; Hereditary Cancer Syndrome; Hereditary neoplastic syndrome. Identifiers: Orphanet 140162, MedGen C0027672, MeSH D009386, MONDO:0015356.

Submission:

Ambry Genetics
Classification: Uncertain significance for Hereditary cancer-predisposing syndrome. Last evaluated: 2025-12-16. Review status: criteria provided, single submitter. Criteria: Ambry Variant Classification Scheme 2023. Collection method: clinical testing. Allele origin: germline.
Comment: The c.-1A>G variant is located in the 5' untranslated region (5&rsquo; UTR) of the SDHAF2 gene. This variant results from an A to G substitution 1 bases upstream from the first translated codon. This nucleotide position is not well conserved in available vertebrate species. Based on the available evidence, the clinical significance of this variant remains unclear.